The following is an entry in ClinVar:

NM_018136.5(ASPM):c.5084G>A (p.Arg1695His)

Gene: ASPM (assembly factor for spindle microtubules; minus strand). Cytogenetic location: 1q31.3.
Variant type: single nucleotide variant.
Coding change: c.5084G>A on transcript NM_018136.5 (MANE Select); coding-DNA position 5084, G replaced by A.
Protein change: p.Arg1695His; replaces arginine 1695 with histidine.
Molecular consequence: missense variant. On other transcripts: intron variant (1).
Genome position (GRCh38, 1-based): chr1:197,104,167, C>T on the plus strand (G>A on the coding strand, the complement: ASPM is on the minus strand). VCF-style: chr1-197104167-C-T. GRCh37 (hg19) VCF-style: chr1-197073297-C-T.
Other names: c.4066-8003G>A (NM_001206846.2); short protein forms R1695H.
Identifiers: ClinVar variation 1394619 (VCV001394619.7), dbSNP rs541097917, ClinGen allele CA1309814.

ClinVar aggregate classification (germline): Uncertain significance (1 of 4 stars; one submission).

gnomAD v4.1: 50 of 1,612,546 alleles (0.0031%); highest among the groups gnomAD compares: Admixed American, 0.023%; no homozygotes.

Submission:

Labcorp Genetics (formerly Invitae), Labcorp
Classification: Uncertain significance. Last evaluated: 2022-06-15. Review status: criteria provided, single submitter. Criteria: Invitae Variant Classification Sherloc (09022015). Collection method: clinical testing. Allele origin: germline.
Comment: In summary, the available evidence is currently insufficient to determine the role of this variant in disease. Therefore, it has been classified as a Variant of Uncertain Significance. Algorithms developed to predict the effect of missense changes on protein structure and function output the following: SIFT: "Deleterious"; PolyPhen-2: "Benign"; Align-GVGD: "Class C0". The histidine amino acid residue is found in multiple mammalian species, which suggests that this missense change does not adversely affect protein function. This variant has not been reported in the literature in individuals affected with ASPM-related conditions. This variant is present in population databases (rs541097917, gnomAD 0.04%). This sequence change replaces arginine, which is basic and polar, with histidine, which is basic and polar, at codon 1695 of the ASPM protein (p.Arg1695His).